The following is an entry in ClinVar:

ClinVar aggregate classification (germline): Pathogenic (1 of 4 stars; one submission).

Submission:

GeneDx
Classification: Pathogenic. Last evaluated: 2025-09-23. Review status: criteria provided, single submitter. Criteria: GeneDx Variant Classification Process June 2021. Collection method: clinical testing. Allele origin: germline.
Comment: Has not been previously published as pathogenic or benign to our knowledge; Not observed at significant frequency in large population cohorts (gnomAD); In silico analysis supports that this missense variant has a deleterious effect on protein structure/function; This variant is associated with the following publications: (PMID: 20473311)

NM_001111125.3(IQSEC2):c.2680G>T (p.Asp894Tyr)

Gene: IQSEC2 (IQ motif and Sec7 domain ArfGEF 2; minus strand). Cytogenetic location: Xp11.22.
Variant type: single nucleotide variant.
Coding change: c.2680G>T on transcript NM_001111125.3 (MANE Select); coding-DNA position 2680, G replaced by T.
Protein change: p.Asp894Tyr; replaces aspartic acid 894 with tyrosine.
Molecular consequence: missense variant.
Genome position (GRCh38, 1-based): chrX:53,247,038, C>A on the plus strand (G>T on the coding strand, the complement: IQSEC2 is on the minus strand). VCF-style: chrX-53247038-C-A. GRCh37 (hg19) VCF-style: chrX-53276220-C-A.
Other names: c.2680G>T, p.Asp894Tyr (NM_001410736.1); c.2065G>T, p.Asp689Tyr (NM_015075.2); short protein forms D689Y, D894Y.
Identifiers: ClinVar variation 3340735 (VCV003340735.2).
Genomic context (GRCh38, chrX:53,247,038, plus strand): 5'-TCTTGATGAAGTCATCTAGTTTCATCTTTCGTTCAGCTTTGACGCTGGGACTGTACATGT[C>A]GGTATTGAGGAGGATGATGGCAAAAGCAAGGATGAAGATGGTGTCTGGGTTCCGGAACTG-3'
Protein context (NP_001104595.1, residues 884-904): LAFAIILLNT[Asp894Tyr]MYSPSVKAER